The following is an entry in ClinVar:

NM_172362.3(KCNH1):c.2935C>T (p.Pro979Ser)

Gene: KCNH1 (potassium voltage-gated channel subfamily H member 1; minus strand). Cytogenetic location: 1q32.2.
Variant type: single nucleotide variant.
Coding change: c.2935C>T on transcript NM_172362.3 (MANE Select); coding-DNA position 2935, C replaced by T.
Protein change: p.Pro979Ser; replaces proline 979 with serine.
Molecular consequence: missense variant.
Genome position (GRCh38, 1-based): chr1:210,683,316, G>A on the plus strand (C>T on the coding strand, the complement: KCNH1 is on the minus strand). VCF-style: chr1-210683316-G-A. GRCh37 (hg19) VCF-style: chr1-210856658-G-A.
Other names: c.2854C>T, p.Pro952Ser (NM_002238.4); short protein forms P952S, P979S.
Identifiers: ClinVar variation 2792036 (VCV002792036.3), dbSNP rs1681319240, ClinGen allele CA344870105.

ClinVar aggregate classification (germline): Uncertain significance (1 of 4 stars; one submission).

Allele frequency attached by ClinVar (database versions not stated): TOPMed below 0.00001; gnomAD 0.00002.
gnomAD v4.1: 3 of 1,613,858 alleles (0.00019%); highest among the groups gnomAD compares: Admixed American, 0.005%; no homozygotes.

Submission:

Labcorp Genetics (formerly Invitae), Labcorp
Classification: Uncertain significance. Last evaluated: 2023-01-17. Review status: criteria provided, single submitter. Criteria: Invitae Variant Classification Sherloc (09022015). Collection method: clinical testing. Allele origin: germline.
Comment: This sequence change replaces proline, which is neutral and non-polar, with serine, which is neutral and polar, at codon 979 of the KCNH1 protein (p.Pro979Ser). In summary, the available evidence is currently insufficient to determine the role of this variant in disease. Therefore, it has been classified as a Variant of Uncertain Significance. Advanced modeling of protein sequence and biophysical properties (such as structural, functional, and spatial information, amino acid conservation, physicochemical variation, residue mobility, and thermodynamic stability) has been performed at Invitae for this missense variant, however the output from this modeling did not meet the statistical confidence thresholds required to predict the impact of this variant on KCNH1 protein function. This variant has not been reported in the literature in individuals affected with KCNH1-related conditions. This variant is not present in population databases (gnomAD no frequency).